The following is an entry in ClinVar:

NM_020320.5(RARS2):c.452-83_452-82insC

Gene: RARS2 (arginyl-tRNA synthetase 2, mitochondrial; minus strand). Cytogenetic location: 6q15.
Variant type: Insertion.
Coding change: c.452-83_452-82insC on transcript NM_020320.5 (MANE Select); 83 bases into the intron before coding-DNA position 452 through 82 bases into the intron before coding-DNA position 452, C inserted.
Molecular consequence: intron variant.
Genome position: GRCh38 VCF-style: chr6-87545781-A-AG. GRCh37 (hg19) VCF-style: chr6-88255499-A-AG.
Other names: c.452-83_452-82insC (NM_001350505.2); c.-74-83_-74-82insC (NM_001350509.2, NM_001318785.2, NM_001350506.2 and 4 more transcripts).
Identifiers: ClinVar variation 673478 (VCV000673478.1), dbSNP rs11405796, ClinGen allele CA142863090.
Genomic context (GRCh38, chr6:87,545,781, plus strand): 5'-AGTTTCTCATTCTTGTTATCCATTTTTTGACATAAGAACCATGTACTTCTCTATTATCAA[A>AG]CATAAGTAGAAAATTCTTTTCACTAAATTTACCAACTCAATGTTTTTTACTAAAACATTC-3'

ClinVar aggregate classification (germline): Benign (1 of 4 stars; one submission).

Allele frequency attached by ClinVar (database versions not stated): gnomAD exomes 0.04437; 1000 Genomes Project 0.05371; 1000 Genomes Project 30x 0.05809; gnomAD 0.06321 and 0.06632; TOPMed 0.06953.

Submission:

GeneDx
Classification: Benign. Last evaluated: 2018-06-18. Review status: criteria provided, single submitter. Criteria: GeneDx Variant Classification (06012015). Collection method: clinical testing. Allele origin: germline. Affected: yes.
Comment: This variant is considered likely benign or benign based on one or more of the following criteria: it is a conservative change, it occurs at a poorly conserved position in the protein, it is predicted to be benign by multiple in silico algorithms, and/or has population frequency not consistent with disease.